The following is an entry in ClinVar:

ClinVar aggregate classification (germline): Uncertain significance (1 of 4 stars; one submission).

Conditions:
Inborn genetic diseases. Identifiers: MedGen C0950123, MeSH D030342.

Submission:

Ambry Genetics
Classification: Uncertain significance for Inborn genetic diseases. Last evaluated: 2021-04-19. Review status: criteria provided, single submitter. Criteria: Ambry Variant Classification Scheme 2023. Collection method: clinical testing. Allele origin: germline.
Comment: The p.E1108V variant (also known as c.3323A>T), located in coding exon 4 of the PRX gene, results from an A to T substitution at nucleotide position 3323. The glutamic acid at codon 1108 is replaced by valine, an amino acid with dissimilar properties. This amino acid position is not well conserved in available vertebrate species. In addition, this alteration is predicted to be tolerated by in silico analysis. Since supporting evidence is limited at this time, the clinical significance of this alteration remains unclear.

NM_181882.3(PRX):c.3323A>T (p.Glu1108Val)

Gene: PRX (periaxin; minus strand). Cytogenetic location: 19q13.2.
Variant type: single nucleotide variant.
Coding change: c.3323A>T on transcript NM_181882.3 (MANE Select); coding-DNA position 3323, A replaced by T.
Protein change: p.Glu1108Val; replaces glutamic acid 1108 with valine.
Molecular consequence: missense variant. On other transcripts: 3 prime UTR variant (1).
Genome position (GRCh38, 1-based): chr19:40,395,029, T>A on the plus strand (A>T on the coding strand, the complement: PRX is on the minus strand). VCF-style: chr19-40395029-T-A. GRCh37 (hg19) VCF-style: chr19-40900936-T-A.
Other names: c.3608A>T, p.Glu1203Val (NM_001411127.1); c.*3528A>T (NM_020956.2); short protein forms E1108V, E1203V.
Identifiers: ClinVar variation 1730221 (VCV001730221.2), dbSNP rs907527045, ClinGen allele CA405894291.